The following is an entry in ClinVar:

ClinVar aggregate classification (germline): Pathogenic (1 of 4 stars; one submission).

Conditions:
MHC class II deficiency. Also called: BLS, TYPE II; Bare lymphocyte syndrome 2. Identifiers: Orphanet 572, MedGen C5447452, MONDO:0008855.

Submission:

Labcorp Genetics (formerly Invitae), Labcorp
Classification: Pathogenic for MHC class II deficiency. Last evaluated: 2024-10-16. Review status: criteria provided, single submitter. Criteria: Invitae Variant Classification Sherloc (09022015). Collection method: clinical testing. Allele origin: germline.
Comment: This sequence change creates a premature translational stop signal (p.Gln1121*) in the CIITA gene. It is expected to result in an absent or disrupted protein product. Loss-of-function variants in CIITA are known to be pathogenic (PMID: 8402893, 9099848, 26271388). This variant is not present in population databases (gnomAD no frequency). This variant has not been reported in the literature in individuals affected with CIITA-related conditions. ClinVar contains an entry for this variant (Variation ID: 1412942). For these reasons, this variant has been classified as Pathogenic.

Literature cited by the submitters: PubMed 8402893; PubMed 9099848; PubMed 26271388.

NM_000246.4(CIITA):c.3361C>T (p.Gln1121Ter)

Gene: CIITA (class II major histocompatibility complex transactivator; plus strand). Cytogenetic location: 16p13.13.
Variant type: single nucleotide variant.
Coding change: c.3361C>T on transcript NM_000246.4 (MANE Select); coding-DNA position 3361, C replaced by T.
Protein change: p.Gln1121Ter; replaces glutamine 1121 with a stop codon.
Molecular consequence: nonsense. On other transcripts: non-coding transcript variant (1).
Genome position (GRCh38, 1-based): chr16:10,923,271, C>T. VCF-style: chr16-10923271-C-T. GRCh37 (hg19) VCF-style: chr16-11017128-C-T.
Other names: c.3364C>T, p.Gln1122Ter (NM_001286402.1, NM_001379332.1); c.1609C>T, p.Gln537Ter (NM_001286403.2); c.3217C>T, p.Gln1073Ter (NM_001379330.1); c.3214C>T, p.Gln1072Ter (NM_001379331.1); c.3361C>T, p.Gln1121Ter (NM_001379333.1); c.3292C>T, p.Gln1098Ter (NM_001379334.1); short protein forms Q1072*, Q1073*, Q1121*, Q1098*, Q1122*, Q537*.
Identifiers: ClinVar variation 1412942 (VCV001412942.6), dbSNP rs2145173097, ClinGen allele CA394724657.